The following is an entry in ClinVar:

ClinVar aggregate classification (germline): Uncertain significance (1 of 4 stars; one submission).

Allele frequency attached by ClinVar (database versions not stated): gnomAD exomes below 0.00001; TOPMed below 0.00001.
gnomAD v4.1: 2 of 1,608,550 alleles (0.00012%); highest among the groups gnomAD compares: East Asian, 0.0022%; no homozygotes.

Submission:

Labcorp Genetics (formerly Invitae), Labcorp
Classification: Uncertain significance. Last evaluated: 2023-10-13. Review status: criteria provided, single submitter. Criteria: Invitae Variant Classification Sherloc (09022015). Collection method: clinical testing. Allele origin: germline.
Comment: This sequence change replaces serine, which is neutral and polar, with leucine, which is neutral and non-polar, at codon 1871 of the KMT2B protein (p.Ser1871Leu). This variant is not present in population databases (gnomAD no frequency). This variant has not been reported in the literature in individuals affected with KMT2B-related conditions. Advanced modeling of protein sequence and biophysical properties (such as structural, functional, and spatial information, amino acid conservation, physicochemical variation, residue mobility, and thermodynamic stability) has been performed at Invitae for this missense variant, however the output from this modeling did not meet the statistical confidence thresholds required to predict the impact of this variant on KMT2B protein function. In summary, the available evidence is currently insufficient to determine the role of this variant in disease. Therefore, it has been classified as a Variant of Uncertain Significance.

NM_014727.3(KMT2B):c.5612C>T (p.Ser1871Leu)

Gene: KMT2B (lysine methyltransferase 2B; plus strand). Cytogenetic location: 19q13.12.
Variant type: single nucleotide variant.
Coding change: c.5612C>T on transcript NM_014727.3 (MANE Select); coding-DNA position 5612, C replaced by T.
Protein change: p.Ser1871Leu; replaces serine 1871 with leucine.
Molecular consequence: missense variant.
Genome position (GRCh38, 1-based): chr19:35,732,082, C>T. VCF-style: chr19-35732082-C-T. GRCh37 (hg19) VCF-style: chr19-36222983-C-T.
Other names: short protein forms S1871L.
Identifiers: ClinVar variation 2789746 (VCV002789746.3), dbSNP rs1432547195, ClinGen allele CA405422528.